The following is an entry in ClinVar:

ClinVar aggregate classification (germline): Likely benign (1 of 4 stars; one submission).

Conditions:
CFAP418-related disorder. Also called: CFAP418-related condition.

gnomAD v4.1: 1 of 1,608,886 alleles (0.000062%); highest among the groups gnomAD compares: African/African-American, 0.0013%; no homozygotes.

Submission:

PreventionGenetics, part of Exact Sciences
Classification: Likely benign for CFAP418-related condition. Last evaluated: 2024-10-19. Review status: criteria provided, single submitter. Criteria: ACMG Guidelines, 2015. Collection method: clinical testing. Allele origin: germline.
Comment: This variant is classified as likely benign based on ACMG/AMP sequence variant interpretation guidelines (Richards et al. 2015 PMID: 25741868, with internal and published modifications).

NM_177965.4(CFAP418):c.186T>C (p.Asp62=)

Gene: CFAP418 (cilia and flagella associated protein 418; minus strand). Cytogenetic location: 8q22.1.
Variant type: single nucleotide variant.
Coding change: c.186T>C on transcript NM_177965.4 (MANE Select); coding-DNA position 186, T replaced by C.
Protein change: p.Asp62=; no amino-acid change (aspartic acid 62 retained).
Molecular consequence: synonymous variant.
Genome position (GRCh38, 1-based): chr8:95,263,744, A>G on the plus strand (T>C on the coding strand, the complement: CFAP418 is on the minus strand). VCF-style: chr8-95263744-A-G. GRCh37 (hg19) VCF-style: chr8-96275972-A-G.
Other names: c.186T>C, p.Asp62= (NM_001363260.1).
Identifiers: ClinVar variation 4986524 (VCV004986524.1).
Genomic context (GRCh38, chr8:95,263,744, plus strand): 5'-TACAGAGGGTTTTTTGTCCAAGTTGGGCTCTTCAAGTATTTCATTAATAAGACTGTCAAG[A>G]TCATCTTCTTTTTTAAATGTTTCTGTTGATCTGAAAAGAAGACATACACAAAGAAAACTT-3'
Protein context (NP_808880.1, residues 52-72): RSTETFKKED[Asp62=]LDSLINEILE